The following is an entry in ClinVar:

NM_001060.6(TBXA2R):c.633C>T (p.Ser211=)

Gene: TBXA2R (thromboxane A2 receptor; minus strand). Cytogenetic location: 19p13.3.
Variant type: single nucleotide variant.
Coding change: c.633C>T on transcript NM_001060.6 (MANE Select); coding-DNA position 633, C replaced by T.
Protein change: p.Ser211=; no amino-acid change (serine 211 retained).
Molecular consequence: synonymous variant.
Genome position (GRCh38, 1-based): chr19:3,600,002, G>A on the plus strand (C>T on the coding strand, the complement: TBXA2R is on the minus strand). VCF-style: chr19-3600002-G-A. GRCh37 (hg19) VCF-style: chr19-3600000-G-A.
Other names: c.633C>T, p.Ser211= (NM_201636.3).
Identifiers: ClinVar variation 5039901 (VCV005039901.1).
Genomic context (GRCh38, chr19:3,600,002, plus strand): 5'-CGCCTCCTGCCCGTGGTAGACGTGGCACAGGGTGGCCACGCTGACCGTGTTCAGCAGGAA[G>A]GACAGCCCGACCGAGAGGCCGCCCAGCATGGAGAAGAGCAGCCCGAAGGCCACGTCCCCG-3'
Protein context (NP_001051.1, residues 201-221): SMLGGLSVGL[Ser211=]FLLNTVSVAT

ClinVar aggregate classification (germline): Likely benign (1 of 4 stars; one submission).

gnomAD v4.1: 2 of 1,610,304 alleles (0.00012%); highest among the groups gnomAD compares: Non-Finnish European, 0.00017%; no homozygotes.

Submission:

CeGaT Center for Human Genetics Tuebingen
Classification: Likely benign. Last evaluated: 2026-08-01. Review status: criteria provided, single submitter. Criteria: CeGaT Center For Human Genetics Tuebingen Variant Classification Criteria Version 2. Collection method: clinical testing. Allele origin: germline. Affected: yes. Observed: 1 variant allele.
Comment: TBXA2R: BP4, BP7